The following is an entry in ClinVar:

NM_006944.3(SPP2):c.185G>A (p.Arg62Gln)

Gene: SPP2 (secreted phosphoprotein 2; plus strand). Cytogenetic location: 2q37.1.
Variant type: single nucleotide variant.
Coding change: c.185G>A on transcript NM_006944.3 (MANE Select); coding-DNA position 185, G replaced by A.
Protein change: p.Arg62Gln; replaces arginine 62 with glutamine.
Molecular consequence: missense variant.
Genome position (GRCh38, 1-based): chr2:234,051,070, G>A. VCF-style: chr2-234051070-G-A. GRCh37 (hg19) VCF-style: chr2-234959714-G-A.
Other names: short protein forms R62Q.
Identifiers: ClinVar variation 1923782 (VCV001923782.6), dbSNP rs757044100, ClinGen allele CA67654263.

ClinVar aggregate classification (germline): Uncertain significance. Review status: criteria provided, multiple submitters, no conflicts (2 of 4 stars). 2 submissions from 2 submitters: Uncertain significance (2). Last evaluated 2024-01-04.

Allele frequency attached by ClinVar (database versions not stated): gnomAD 0.00001; TOPMed 0.00002.

Submissions (2):

Blueprint Genetics
Classification: Uncertain significance. Last evaluated: 2024-01-04. Review status: criteria provided, single submitter. Criteria: ACMG Guidelines, 2015. Collection method: clinical testing. Allele origin: germline.

Labcorp Genetics (formerly Invitae), Labcorp
Classification: Uncertain significance. Last evaluated: 2023-09-17. Review status: criteria provided, single submitter. Criteria: Invitae Variant Classification Sherloc (09022015). Collection method: clinical testing. Allele origin: germline.
Comment: Algorithms developed to predict the effect of missense changes on protein structure and function output the following: SIFT: "Not Available"; PolyPhen-2: "Possibly Damaging"; Align-GVGD: "Not Available". The glutamine amino acid residue is found in multiple mammalian species, which suggests that this missense change does not adversely affect protein function. In summary, the available evidence is currently insufficient to determine the role of this variant in disease. Therefore, it has been classified as a Variant of Uncertain Significance. Algorithms developed to predict the effect of sequence changes on RNA splicing suggest that this variant may disrupt the consensus splice site. ClinVar contains an entry for this variant (Variation ID: 1923782). This variant has not been reported in the literature in individuals affected with SPP2-related conditions. This variant is present in population databases (no rsID available, gnomAD 0.01%). This sequence change replaces arginine, which is basic and polar, with glutamine, which is neutral and polar, at codon 62 of the SPP2 protein (p.Arg62Gln).